The following is an entry in ClinVar:

NM_000053.4(ATP7B):c.3556+23T>C

Gene: ATP7B (ATPase copper transporting beta; minus strand). Cytogenetic location: 13q14.3.
Variant type: single nucleotide variant.
Coding change: c.3556+23T>C on transcript NM_000053.4 (MANE Select); 23 bases into the intron after coding-DNA position 3556, T replaced by C.
Molecular consequence: intron variant.
Genome position (GRCh38, 1-based): chr13:51,941,058, A>G on the plus strand (T>C on the coding strand, the complement: ATP7B is on the minus strand). VCF-style: chr13-51941058-A-G. GRCh37 (hg19) VCF-style: chr13-52515194-A-G.
Other names: c.3070+23T>C (NM_001406541.1, NM_001406542.1); c.3304+23T>C (NM_001406531.1, NM_001406532.1, NM_001330579.2); c.3322+23T>C (NM_001406527.1, NM_001406528.1, NM_001330578.2); c.3217+23T>C (NM_001406537.1); c.3412+23T>C (NM_001406521.1, NM_001406522.1, NM_001406520.1); c.3550+23T>C (NM_001406513.1); c.3556+23T>C (NM_001406511.1, NM_001406512.1, NM_001406526.1); c.3064+1328T>C (NM_001406543.1); and 20 more.
Identifiers: ClinVar variation 4981167 (VCV004981167.1).
Genomic context (GRCh38, chr13:51,941,058, plus strand): 5'-TTATAAAGGAGGACTCTTTTGCCTGATATCTGCAGAAAACTGTATTTCTGAGAGAGCGGA[A>G]GGAAGGCAGAAGCAGAAGATACCGTCAATAGCCACCAGGATGGCTGTCTGTCCTTTCATC-3'

ClinVar aggregate classification (germline): Likely benign (1 of 4 stars; one submission).

Conditions:
ATP7B-related disorder. Also called: ATP7B-related condition.

gnomAD v4.1: 210 of 1,614,070 alleles (0.013%); highest among the groups gnomAD compares: Middle Eastern, 0.082%; 1 homozygote.

Submission:

PreventionGenetics, part of Exact Sciences
Classification: Likely benign for ATP7B-related condition. Last evaluated: 2026-03-27. Review status: criteria provided, single submitter. Criteria: ACMG Guidelines, 2015. Collection method: clinical testing. Allele origin: germline.
Comment: This variant is classified as likely benign based on ACMG/AMP sequence variant interpretation guidelines (Richards et al. 2015 PMID: 25741868, with internal and published modifications).